The following is an entry in ClinVar:

ClinVar aggregate classification (germline): Uncertain significance (1 of 4 stars; one submission).

Submission:

Labcorp Genetics (formerly Invitae), Labcorp
Classification: Uncertain significance. Last evaluated: 2024-04-20. Review status: criteria provided, single submitter. Criteria: Invitae Variant Classification Sherloc (09022015). Collection method: clinical testing. Allele origin: germline.
Comment: This sequence change replaces valine, which is neutral and non-polar, with alanine, which is neutral and non-polar, at codon 1084 of the ADNP protein (p.Val1084Ala). This variant is not present in population databases (gnomAD no frequency). This variant has not been reported in the literature in individuals affected with ADNP-related conditions. An algorithm developed to predict the effect of missense changes on protein structure and function (PolyPhen-2) suggests that this variant is likely to be tolerated. In summary, the available evidence is currently insufficient to determine the role of this variant in disease. Therefore, it has been classified as a Variant of Uncertain Significance.

NM_001282531.3(ADNP):c.3251T>C (p.Val1084Ala)

Gene: ADNP (activity dependent neuroprotector homeobox; minus strand). Cytogenetic location: 20q13.13.
Variant type: single nucleotide variant.
Coding change: c.3251T>C on transcript NM_001282531.3 (MANE Select); coding-DNA position 3251, T replaced by C.
Protein change: p.Val1084Ala; replaces valine 1084 with alanine.
Molecular consequence: missense variant.
Genome position (GRCh38, 1-based): chr20:50,891,463, A>G on the plus strand (T>C on the coding strand, the complement: ADNP is on the minus strand). VCF-style: chr20-50891463-A-G. GRCh37 (hg19) VCF-style: chr20-49508000-A-G.
Other names: c.3251T>C, p.Val1084Ala (NM_001282532.2, NM_001347511.2, NM_015339.5 and 1 more transcripts); short protein forms V1084A.
Identifiers: ClinVar variation 3650456 (VCV003650456.2).
Genomic context (GRCh38, chr20:50,891,463, plus strand): 5'-ACTTAGGCCTGTTGGCTGCTCAGTTTAACTCCGGCTAAGCTGCCATGCATGGGCTCAGCT[A>G]CTCCATCAGTCATGTTGTCAAACTGTTCCCCATCCTCACTGTCAATTGTGCTATTCTGCC-3'
Protein context (NP_001269460.1, residues 1074-1094): GEQFDNMTDG[Val1084Ala]AEPMHGSLAG